The following is an entry in ClinVar:

ClinVar aggregate classification (germline): Uncertain significance (1 of 4 stars; one submission).

Submission:

GeneDx
Classification: Uncertain significance. Last evaluated: 2022-04-11. Review status: criteria provided, single submitter. Criteria: GeneDx Variant Classification Process June 2021. Collection method: clinical testing. Allele origin: germline. Affected: yes.
Comment: Not observed at significant frequency in large population cohorts (gnomAD); In silico analysis supports that this missense variant has a deleterious effect on protein structure/function; Has not been previously published as pathogenic or benign to our knowledge; Variants in candidate genes are classified as variants of uncertain significance in accordance with ACMG guidelines (Richards et al., 2015)

NM_003074.4(SMARCC1):c.408G>T (p.Arg136Ser)

Gene: SMARCC1 (SWI/SNF related BAF chromatin remodeling complex subunit C1; minus strand). Cytogenetic location: 3p21.31.
Variant type: single nucleotide variant.
Coding change: c.408G>T on transcript NM_003074.4 (MANE Select); coding-DNA position 408, G replaced by T.
Protein change: p.Arg136Ser; replaces arginine 136 with serine.
Molecular consequence: missense variant.
Genome position (GRCh38, 1-based): chr3:47,738,104, C>A on the plus strand (G>T on the coding strand, the complement: SMARCC1 is on the minus strand). VCF-style: chr3-47738104-C-A. GRCh37 (hg19) VCF-style: chr3-47779594-C-A.
Other names: short protein forms R136S.
Identifiers: ClinVar variation 3342490 (VCV003342490.1).